The following is an entry in ClinVar:

ClinVar aggregate classification (germline): Conflicting classifications of pathogenicity. Review status: criteria provided, conflicting classifications (1 of 4 stars). 2 submissions from 2 submitters: Uncertain significance (1); Likely benign (1). Last evaluated 2024-10-21.

Conditions:
Cornelia de Lange syndrome 1 (CDLS1). Also called: NIPBL-Related Cornelia de Lange Syndrome; TYPUS DEGENERATIVUS AMSTELODAMENSIS; Brachmann de Lange syndrome. Identifiers: Orphanet 199, MedGen C4551851, MONDO:0007387, OMIM 122470.

Allele frequency attached by ClinVar (database versions not stated): ExAC 0.00003; gnomAD 0.00005; gnomAD exomes 0.00001; TOPMed 0.00002.
gnomAD v4.1: 45 of 1,613,742 alleles (0.0028%); highest among the groups gnomAD compares: African/African-American, 0.008%; no homozygotes.

Submissions (2):

Women's Health and Genetics/Laboratory Corporation of America, LabCorp
Classification: Uncertain significance. Last evaluated: 2024-10-21. Review status: criteria provided, single submitter. Criteria: LabCorp Variant Classification Summary - May 2015. Collection method: clinical testing. Allele origin: germline.
Comment: Variant summary: NIPBL c.1896G>C (p.Glu632Asp) results in a conservative amino acid change in the encoded protein sequence. Five of five in-silico tools predict a benign effect of the variant on protein function. The variant allele was found at a frequency of 1.2e-05 in 249958 control chromosomes. The available data on variant occurrences in the general population are insufficient to allow any conclusion about variant significance. To our knowledge, no occurrence of c.1896G>C in individuals affected with Cornelia De Lange Syndrome 1 and no experimental evidence demonstrating its impact on protein function have been reported. ClinVar contains an entry for this variant (Variation ID: 1101710). Based on the evidence outlined above, the variant was classified as uncertain significance.

Labcorp Genetics (formerly Invitae), Labcorp
Classification: Likely benign for Cornelia de Lange syndrome 1. Last evaluated: 2019-12-07. Review status: criteria provided, single submitter. Criteria: Invitae Variant Classification Sherloc (09022015). Collection method: clinical testing. Allele origin: germline.

NM_133433.4(NIPBL):c.1896G>C (p.Glu632Asp)

Gene: NIPBL (NIPBL cohesin loading factor; plus strand). Cytogenetic location: 5p13.2.
Variant type: single nucleotide variant.
Coding change: c.1896G>C on transcript NM_133433.4 (MANE Select); coding-DNA position 1896, G replaced by C.
Protein change: p.Glu632Asp; replaces glutamic acid 632 with aspartic acid.
Molecular consequence: missense variant.
Genome position (GRCh38, 1-based): chr5:36,985,076, G>C. VCF-style: chr5-36985076-G-C. GRCh37 (hg19) VCF-style: chr5-36985178-G-C.
Other names: c.1896G>C, p.Glu632Asp (NM_015384.5); short protein forms E632D.
Identifiers: ClinVar variation 1101710 (VCV001101710.7), dbSNP rs751913459, ClinGen allele CA3236100.